The following is an entry in ClinVar:

NM_002074.5(GNB1):c.346G>A (p.Gly116Ser)

Gene: GNB1 (G protein subunit beta 1; minus strand). Cytogenetic location: 1p36.33.
Variant type: single nucleotide variant.
Coding change: c.346G>A on transcript NM_002074.5 (MANE Select); coding-DNA position 346, G replaced by A.
Protein change: p.Gly116Ser; replaces glycine 116 with serine.
Molecular consequence: missense variant.
Genome position (GRCh38, 1-based): chr1:1,804,503, C>T on the plus strand (G>A on the coding strand, the complement: GNB1 is on the minus strand). VCF-style: chr1-1804503-C-T. GRCh37 (hg19) VCF-style: chr1-1735942-C-T.
Other names: c.46G>A, p.Gly16Ser (NM_001282538.2); c.346G>A, p.Gly116Ser (NM_001282539.2); short protein forms G116S, G16S.
Identifiers: ClinVar variation 444149 (VCV000444149.51), dbSNP rs1231842600, ClinGen allele CA337914852.
Genomic context (GRCh38, chr1:1,804,503, plus strand): 5'-TCACGCGCACGTTCCCCTCACGAGTTTTCAGATTGTAAATGGAGCAAATGTTATCCAGGC[C>T]ACCGCAGGCCACATAGTTCCCAGAAGGGGCATATGCACAGGTCATGACCCAGGAGGAGCG-3'
Protein context (NP_002065.1, residues 106-126): APSGNYVACG[Gly116Ser]LDNICSIYNL

ClinVar aggregate classification (germline): Conflicting classifications of pathogenicity. Review status: criteria provided, conflicting classifications (1 of 4 stars). 4 submissions from 4 submitters: Pathogenic (1); Likely pathogenic (1); Uncertain significance (2). Last evaluated 2023-02-13.

Allele frequency attached by ClinVar (database versions not stated): gnomAD exomes below 0.00001.
gnomAD v4.1: 1 of 1,613,452 alleles (0.000062%); highest among the groups gnomAD compares: Non-Finnish European, 0.000085%; no homozygotes.

Submissions (4):

Greenwood Genetic Center Diagnostic Laboratories, Greenwood Genetic Center
Classification: Uncertain significance. Last evaluated: 2023-02-13. Review status: criteria provided, single submitter. Criteria: ACMG Guidelines, 2015. Collection method: clinical testing. Allele origin: germline. Affected: yes.
Comment: PM2

GeneDx
Classification: Pathogenic. Last evaluated: 2022-07-18. Review status: criteria provided, single submitter. Criteria: GeneDx Variant Classification Process June 2021. Collection method: clinical testing. Allele origin: germline. Affected: yes.
Comment: In silico analysis supports that this missense variant has a deleterious effect on protein structure/function; Has not been previously published as pathogenic or benign to our knowledge

Eurofins Ntd Llc (ga)
Classification: Likely pathogenic. Last evaluated: 2018-04-10. Review status: criteria provided, single submitter. Criteria: EGL ClinVar v180209 classification definitions. Collection method: clinical testing. Allele origin: germline. Observed: 1 variant allele, 1 heterozygote.

CeGaT Center for Human Genetics Tuebingen
Classification: Uncertain significance. Last evaluated: 2017-05-01. Review status: criteria provided, single submitter. Criteria: CeGaT Center For Human Genetics Tuebingen Variant Classification Criteria Version 2. Collection method: clinical testing. Allele origin: germline. Affected: yes. Observed: 2 variant alleles.